The following is an entry in ClinVar:

NM_012062.5(DNM1L):c.2035A>C (p.Lys679Gln)

Gene: DNM1L (dynamin 1 like; plus strand). Cytogenetic location: 12p11.21.
Variant type: single nucleotide variant.
Coding change: c.2035A>C on transcript NM_012062.5 (MANE Select); coding-DNA position 2035, A replaced by C.
Protein change: p.Lys679Gln; replaces lysine 679 with glutamine.
Molecular consequence: missense variant.
Genome position (GRCh38, 1-based): chr12:32,742,629, A>C. VCF-style: chr12-32742629-A-C. GRCh37 (hg19) VCF-style: chr12-32895563-A-C.
Other names: c.2002A>C, p.Lys668Gln (NM_001278463.2); c.2074A>C, p.Lys692Gln (NM_001278464.2); c.2041A>C, p.Lys681Gln (NM_001278465.2); c.1426A>C, p.Lys476Gln (NM_001278466.2); c.1963A>C, p.Lys655Gln (NM_001330380.2); c.1924A>C, p.Lys642Gln (NM_005690.5); c.1957A>C, p.Lys653Gln (NM_012063.4); short protein forms K476Q, K642Q, K653Q, K655Q, K668Q, K679Q, K681Q, K692Q.
Identifiers: ClinVar variation 1342886 (VCV001342886.2), dbSNP rs2137611567, ClinGen allele CA384365620.
Genomic context (GRCh38, chr12:32,742,629, plus strand): 5'-AATTTGGTTGTGTTTTGCAGTGTGCCAAAGGCAGTAATGCATTTTTTGGTTAATCATGTG[A>C]AAGACACTCTTCAGAGTGAGCTAGTAGGCCAGCTGTATAAATCATCCTTATTGGATGATC-3'
Protein context (NP_036192.2, residues 669-689): AVMHFLVNHV[Lys679Gln]DTLQSELVGQ

ClinVar aggregate classification (germline): Uncertain significance (1 of 4 stars; one submission).

Conditions:
Encephalopathy, lethal, due to defective mitochondrial peroxisomal fission 1. Identifiers: Orphanet 330050, MedGen C3280660, MONDO:0013726, OMIM 614388.

Submission:

Institute of Human Genetics, University of Leipzig Medical Center
Classification: Uncertain significance for Encephalopathy, lethal, due to defective mitochondrial peroxisomal fission 1. Last evaluated: 2022-03-28. Review status: criteria provided, single submitter. Criteria: ACMG Guidelines, 2015. Collection method: clinical testing. Allele origin: paternal. Affected: yes.
Comment: _x000D_ Criteria applied: PM2_SUP, PP2, PP3, BS2